The following is an entry in ClinVar:

ClinVar aggregate classification (germline): Pathogenic (1 of 4 stars; one submission).

Conditions:
Achondrogenesis, type IB (ACG1B). Also called: Achondrogenesis Type 1B. Identifiers: Orphanet 932, Orphanet 93298, MedGen C0265274, MONDO:0010966, OMIM 600972.
Atelosteogenesis type II (AO2). Also called: NEONATAL OSSEOUS DYSPLASIA I; SLC26A2-Related Atelosteogenesis; Neonatal osseous dysplasia 1. Identifiers: Orphanet 56304, MedGen C1850554, MONDO:0009727, OMIM 256050.
Diastrophic dysplasia (DTD). Also called: Diastrophic dwarfism. Identifiers: Orphanet 628, MedGen C0220726, MONDO:0009107, OMIM 222600.
Multiple epiphyseal dysplasia type 4 (EDM4). Also called: SLC26A2-Related Multiple Epiphyseal Dysplasia; Multiple Epiphyseal Dysplasia, Recessive; MULTIPLE EPIPHYSEAL DYSPLASIA WITH BILAYERED PATELLAE; MULTIPLE EPIPHYSEAL DYSPLASIA WITH CLUBFOOT; MULTIPLE EPIPHYSEAL DYSPLASIA, AUTOSOMAL RECESSIVE. Identifiers: Orphanet 93307, MedGen C1847593, MONDO:0009189, OMIM 226900.

Submission:

Labcorp Genetics (formerly Invitae), Labcorp
Classification: Pathogenic for Atelosteogenesis type II; Multiple epiphyseal dysplasia type 4; Achondrogenesis, type IB; Diastrophic dysplasia. Last evaluated: 2022-08-28. Review status: criteria provided, single submitter. Criteria: Invitae Variant Classification Sherloc (09022015). Collection method: clinical testing. Allele origin: germline.
Comment: A gross deletion of the genomic region encompassing the full coding sequence of the SLC26A2 gene has been identified. Loss-of-function variants in SLC26A2 are known to be pathogenic (PMID: 7923357, 10482955, 11241838). The boundaries of this event are unknown as they extend beyond the assayed region for this gene and therefore may encompass additional genes. This variant has not been reported in the literature in individuals affected with SLC26A2-related conditions. For these reasons, this variant has been classified as Pathogenic.

Literature cited by the submitters: PubMed 7923357; PubMed 10482955; PubMed 11241838.

NC_000005.9:g.(?_149357216)_(149361376_?)del

Gene: SLC26A2 (solute carrier family 26 member 2; plus strand). Cytogenetic location: 5q32.
Variant type: Deletion.
Identifiers: ClinVar variation 2422365 (VCV002422365.4).